The following is an entry in ClinVar:

ClinVar aggregate classification (germline): Benign (1 of 4 stars; one submission).

Allele frequency attached by ClinVar (database versions not stated): 1000 Genomes Project 0.00180; gnomAD 0.00222.

Submission:

CeGaT Center for Human Genetics Tuebingen
Classification: Benign. Last evaluated: 2022-09-01. Review status: criteria provided, single submitter. Criteria: CeGaT Center For Human Genetics Tuebingen Variant Classification Criteria Version 2. Collection method: clinical testing. Allele origin: germline. Affected: yes. Observed: 2 variant alleles.
Comment: HCN4: BS1, BS2

NC_000015.10:g.73376823T>C

Genes: HCN4 (hyperpolarization activated cyclic nucleotide gated potassium channel 4; minus strand), LOC110121492 (VISTA enhancer hs2161; plus strand). Cytogenetic location: 15q24.1.
Variant type: single nucleotide variant.
Genome position: GRCh38 VCF-style: chr15-73376823-T-C. GRCh37 (hg19) VCF-style: chr15-73669164-T-C.
Identifiers: ClinVar variation 2645518 (VCV002645518.24), dbSNP rs564360755, ClinGen allele CA272661781.